The following is an entry in ClinVar:

NM_003073.5(SMARCB1):c.784G>A (p.Val262Ile)

Gene: SMARCB1 (SWI/SNF related BAF chromatin remodeling complex subunit B1; plus strand). Cytogenetic location: 22q11.23.
Variant type: single nucleotide variant.
Coding change: c.784G>A on transcript NM_003073.5 (MANE Select); coding-DNA position 784, G replaced by A.
Protein change: p.Val262Ile; replaces valine 262 with isoleucine.
Molecular consequence: missense variant.
Genome position (GRCh38, 1-based): chr22:23,816,925, G>A. VCF-style: chr22-23816925-G-A. GRCh37 (hg19) VCF-style: chr22-24159112-G-A.
Other names: c.757G>A, p.Val253Ile (NM_001007468.3); c.811G>A, p.Val271Ile (NM_001317946.2); c.838G>A, p.Val280Ile (NM_001362877.2); short protein forms V253I, V271I, V280I, V262I.
Identifiers: ClinVar variation 2240619 (VCV002240619.6), dbSNP rs1341827515, ClinGen allele CA410901992.

ClinVar aggregate classification (germline): Uncertain significance. Review status: criteria provided, multiple submitters, no conflicts (2 of 4 stars). 2 submissions from 2 submitters: Uncertain significance (2). Last evaluated 2025-06-23.

Conditions:
Hereditary cancer-predisposing syndrome. Also called: Neoplastic Syndromes, Hereditary; Tumor predisposition; Hereditary Cancer Syndrome; Hereditary neoplastic syndrome. Identifiers: Orphanet 140162, MedGen C0027672, MeSH D009386, MONDO:0015356.

Allele frequency attached by ClinVar (database versions not stated): gnomAD exomes below 0.00001; TOPMed below 0.00001; gnomAD 0.00001.
gnomAD v4.1: 3 of 1,613,756 alleles (0.00019%); highest among the groups gnomAD compares: South Asian, 0.0011%; no homozygotes.

Submissions (2):

Ambry Genetics
Classification: Uncertain significance for Hereditary cancer-predisposing syndrome. Last evaluated: 2025-06-23. Review status: criteria provided, single submitter. Criteria: Ambry Variant Classification Scheme 2023. Collection method: clinical testing. Allele origin: germline.
Comment: The p.V262I variant (also known as c.784G>A), located in coding exon 6 of the SMARCB1 gene, results from a G to A substitution at nucleotide position 784. The valine at codon 262 is replaced by isoleucine, an amino acid with highly similar properties. This amino acid position is highly conserved in available vertebrate species. In addition, the in silico prediction for this alteration is inconclusive. Missense and in-frame variants in SMARCB1 are known to cause neurodevelopmental disorders; however, such associations with rhabdoid tumor predisposition syndrome are exceedingly rare (Kosho T et al. Am J Med Genet C Semin Med Genet. 2014 Sep;166C(3):262-75; Eaton KW et al. Pediatr Blood Cancer. 2011 Jan;56(1):7-15). Based on the supporting evidence, the association of this alteration with Coffin-Siris syndrome is unknown; however, the association of this alteration with SMARCB1-related tumor predisposition syndrome is unlikely.

Labcorp Genetics (formerly Invitae), Labcorp
Classification: Uncertain significance. Last evaluated: 2023-02-24. Review status: criteria provided, single submitter. Criteria: Invitae Variant Classification Sherloc (09022015). Collection method: clinical testing. Allele origin: germline.
Comment: This variant has not been reported in the literature in individuals affected with SMARCB1-related conditions. This variant is not present in population databases (gnomAD no frequency). This sequence change replaces valine, which is neutral and non-polar, with isoleucine, which is neutral and non-polar, at codon 262 of the SMARCB1 protein (p.Val262Ile). In summary, the available evidence is currently insufficient to determine the role of this variant in disease. Therefore, it has been classified as a Variant of Uncertain Significance. Advanced modeling of protein sequence and biophysical properties (such as structural, functional, and spatial information, amino acid conservation, physicochemical variation, residue mobility, and thermodynamic stability) performed at Invitae indicates that this missense variant is not expected to disrupt SMARCB1 protein function.